The following is an entry in ClinVar:

ClinVar aggregate classification (germline): Uncertain significance (1 of 4 stars; one submission).

Conditions:
Immunodeficiency 39 (IMD39). Identifiers: Orphanet 574918, MedGen C4225358, MONDO:0014597, OMIM 616345.

Submission:

Labcorp Genetics (formerly Invitae), Labcorp
Classification: Uncertain significance for Immunodeficiency 39. Last evaluated: 2025-06-15. Review status: criteria provided, single submitter. Criteria: Invitae Variant Classification Sherloc (09022015). Collection method: clinical testing. Allele origin: germline.
Comment: This sequence change creates a premature translational stop signal (p.Ala99Argfs*23) in the IRF7 gene. It is expected to result in an absent or disrupted protein product. However, the current clinical and genetic evidence is not sufficient to establish whether loss-of-function variants in IRF7 cause disease. This variant is present in population databases (rs778776994, gnomAD 0.001%). This variant has not been reported in the literature in individuals affected with IRF7-related conditions. ClinVar contains an entry for this variant (Variation ID: 2140710). In summary, the available evidence is currently insufficient to determine the role of this variant in disease. Therefore, it has been classified as a Variant of Uncertain Significance.

NM_001572.5(IRF7):c.255_262del (p.Ala86fs)

Gene: IRF7 (interferon regulatory factor 7; minus strand). Cytogenetic location: 11p15.5.
Variant type: Deletion.
Coding change: c.255_262del on transcript NM_001572.5 (MANE Select); coding-DNA positions 255 to 262, 8 bases deleted (TGCGGAGC; older notation c.255_262delTGCGGAGC).
Protein change: p.Ala86fs; shifts the reading frame from alanine 86.
Molecular consequence: frameshift variant.
Genome position (GRCh38, 1-based): chr11:614,929-614,936, GCTCCGCA deleted on the plus strand (TGCGGAGC on the coding strand, the reverse complement: IRF7 is on the minus strand); deleting any 8 consecutive bases within chr11:614,929-614,937 gives the same sequence; the c. name uses the placement nearest the transcript's 3' end. VCF-style (leftmost placement, unchanged base first): chr11-614928-CGCTCCGCA-C. GRCh37 (hg19) VCF-style: chr11-614928-CGCTCCGCA-C.
Other names: c.255_262del, p.Ala86fs (NM_004029.4); c.294_301del, p.Ala99fs (NM_004031.4); short protein forms A86fs, A99fs.
Identifiers: ClinVar variation 2140710 (VCV002140710.3), dbSNP rs778776994, ClinGen allele CA5784017.